The following is an entry in ClinVar:

NM_006506.5(RASA2):c.1844C>G (p.Ala615Gly)

Gene: RASA2 (RAS p21 protein activator 2; plus strand). Cytogenetic location: 3q23.
Variant type: single nucleotide variant.
Coding change: c.1844C>G on transcript NM_006506.5 (MANE Select); coding-DNA position 1844, C replaced by G.
Protein change: p.Ala615Gly; replaces alanine 615 with glycine.
Molecular consequence: missense variant.
Genome position (GRCh38, 1-based): chr3:141,586,663, C>G. VCF-style: chr3-141586663-C-G. GRCh37 (hg19) VCF-style: chr3-141305505-C-G.
Other names: c.1844C>G, p.Ala615Gly (NM_001303245.3, NM_001303246.3); short protein forms A615G.
Identifiers: ClinVar variation 2328220 (VCV002328220.3), dbSNP rs2478782895, ClinGen allele CA354782065.

ClinVar aggregate classification (germline): Uncertain significance (1 of 4 stars; one submission).

Submission:

Ambry Genetics
Classification: Uncertain significance. Last evaluated: 2026-03-12. Review status: criteria provided, single submitter. Criteria: Ambry Variant Classification Scheme 2023. Collection method: clinical testing. Allele origin: germline.
Comment: The p.A615G variant (also known as c.1844C>G), located in coding exon 19 of the RASA2 gene, results from a C to G substitution at nucleotide position 1844. The alanine at codon 615 is replaced by glycine, an amino acid with similar properties. This amino acid position is conserved. In addition, this alteration is predicted to be tolerated by in silico analysis. Based on the available evidence, the clinical significance of this variant remains unclear.